The following is an entry in ClinVar:

ClinVar aggregate classification (germline): Uncertain significance. Review status: criteria provided, multiple submitters, no conflicts (2 of 4 stars). 2 submissions from 2 submitters: Uncertain significance (2). Last evaluated 2024-11-04.

Conditions:
Inborn genetic diseases. Identifiers: MedGen C0950123, MeSH D030342.

Allele frequency attached by ClinVar (database versions not stated): gnomAD exomes below 0.00001; gnomAD 0.00001; TOPMed 0.00001.
gnomAD v4.1: 7 of 1,610,274 alleles (0.00043%); highest among the groups gnomAD compares: Admixed American, 0.0017%; no homozygotes.

Submissions (2):

Labcorp Genetics (formerly Invitae), Labcorp
Classification: Uncertain significance. Last evaluated: 2024-11-04. Review status: criteria provided, single submitter. Criteria: Invitae Variant Classification Sherloc (09022015). Collection method: clinical testing. Allele origin: germline.
Comment: This sequence change replaces glutamic acid, which is acidic and polar, with lysine, which is basic and polar, at codon 810 of the KIAA0753 protein (p.Glu810Lys). This variant is present in population databases (no rsID available, gnomAD 0.006%). This variant has not been reported in the literature in individuals affected with KIAA0753-related conditions. ClinVar contains an entry for this variant (Variation ID: 2075285). An algorithm developed to predict the effect of missense changes on protein structure and function (PolyPhen-2) suggests that this variant is likely to be disruptive. In summary, the available evidence is currently insufficient to determine the role of this variant in disease. Therefore, it has been classified as a Variant of Uncertain Significance.

Ambry Genetics
Classification: Uncertain significance for Inborn genetic diseases. Last evaluated: 2021-09-16. Review status: criteria provided, single submitter. Criteria: Ambry Variant Classification Scheme 2023. Collection method: clinical testing. Allele origin: germline.

NM_014804.3(KIAA0753):c.2428G>A (p.Glu810Lys)

Gene: KIAA0753 (KIAA0753; minus strand). Cytogenetic location: 17p13.1.
Variant type: single nucleotide variant.
Coding change: c.2428G>A on transcript NM_014804.3 (MANE Select); coding-DNA position 2428, G replaced by A.
Protein change: p.Glu810Lys; replaces glutamic acid 810 with lysine.
Molecular consequence: missense variant. On other transcripts: non-coding transcript variant (3).
Genome position (GRCh38, 1-based): chr17:6,594,984, C>T on the plus strand (G>A on the coding strand, the complement: KIAA0753 is on the minus strand). VCF-style: chr17-6594984-C-T. GRCh37 (hg19) VCF-style: chr17-6498304-C-T.
Other names: c.1531G>A, p.Glu511Lys (NM_001351225.2); short protein forms E810K, E511K.
Identifiers: ClinVar variation 2075285 (VCV002075285.3), dbSNP rs949884394, ClinGen allele CA287345464.